The following is an entry in ClinVar:

ClinVar aggregate classification (germline): Likely pathogenic (1 of 4 stars; one submission).

Conditions:
Hereditary factor VIII deficiency disease (HEMA). Also called: HEMOPHILIA, CLASSIC; AUTOSOMAL HEMOPHILIA A; Hemophilia A; Hemophilia A, congenital; HEM A; Factor 8 deficiency, congenital. Identifiers: Orphanet 98878, MedGen C0019069, MONDO:0010602, OMIM 306700.

Submission:

Genetics and Molecular Pathology, SA Pathology
Classification: Likely pathogenic for Hereditary factor VIII deficiency disease. Last evaluated: 2020-11-25. Review status: criteria provided, single submitter. Criteria: ACMG Guidelines, 2015. Collection method: clinical testing. Allele origin: germline. Inheritance: X-linked recessive inheritance. Affected: yes.
Comment: PM1, PM2, PP3, PP4, PP5

NM_000132.4(F8):c.6119G>A (p.Cys2040Tyr)

Gene: F8 (coagulation factor VIII; minus strand). Cytogenetic location: Xq28.
Variant type: single nucleotide variant.
Coding change: c.6119G>A on transcript NM_000132.4 (MANE Select); coding-DNA position 6119, G replaced by A.
Protein change: p.Cys2040Tyr; replaces cysteine 2040 with tyrosine.
Molecular consequence: missense variant.
Genome position (GRCh38, 1-based): chrX:154,901,439, C>T on the plus strand (G>A on the coding strand, the complement: F8 is on the minus strand). VCF-style: chrX-154901439-C-T. GRCh37 (hg19) VCF-style: chrX-154129714-C-T.
Other names: short protein forms C2040Y.
Identifiers: ClinVar variation 1698931 (VCV001698931.2), dbSNP rs2123993600, ClinGen allele CA414904315.
Genomic context (GRCh38, chrX:154,901,439, plus strand): 5'-CCTGAAGCTGTAATCTGAAAATCTCTAATGTGTCCAGAAGCCATTCCCAGGGGAGTCTGA[C>T]ACTCTGAAATGAAACGGGTGGAACACAGTAACTAGAAGTGCACAAAATTCAGCTTCTCAA-3'
Protein context (NP_000123.1, residues 2030-2050): STLFLVYSNK[Cys2040Tyr]QTPLGMASGH